The following is an entry in ClinVar:

ClinVar aggregate classification (germline): Uncertain significance (1 of 4 stars; one submission).

Conditions:
Hereditary diffuse gastric adenocarcinoma (HDGC). Also called: DIFFUSE GASTRIC AND LOBULAR BREAST CANCER SYNDROME. Identifiers: Orphanet 26106, MedGen C1708349, MONDO:0007648, OMIM 137215.

Submission:

Labcorp Genetics (formerly Invitae), Labcorp
Classification: Uncertain significance for Hereditary diffuse gastric adenocarcinoma. Last evaluated: 2022-01-17. Review status: criteria provided, single submitter. Criteria: Invitae Variant Classification Sherloc (09022015). Collection method: clinical testing. Allele origin: germline.
Comment: In summary, the available evidence is currently insufficient to determine the role of this variant in disease. Therefore, it has been classified as a Variant of Uncertain Significance. This sequence change replaces glycine, which is neutral and non-polar, with cysteine, which is neutral and slightly polar, at codon 81 of the CDH1 protein (p.Gly81Cys). This variant is not present in population databases (gnomAD no frequency). This variant has not been reported in the literature in individuals affected with CDH1-related conditions. Algorithms developed to predict the effect of missense changes on protein structure and function are either unavailable or do not agree on the potential impact of this missense change (SIFT: "Deleterious"; PolyPhen-2: "Probably Damaging"; Align-GVGD: "Class C0").

NM_004360.5(CDH1):c.241G>T (p.Gly81Cys)

Gene: CDH1 (cadherin 1; plus strand). Cytogenetic location: 16q22.1.
Variant type: single nucleotide variant.
Coding change: c.241G>T on transcript NM_004360.5 (MANE Select); coding-DNA position 241, G replaced by T.
Protein change: p.Gly81Cys; replaces glycine 81 with cysteine.
Molecular consequence: missense variant. On other transcripts: 5 prime UTR variant (2).
Genome position (GRCh38, 1-based): chr16:68,801,747, G>T. VCF-style: chr16-68801747-G-T. GRCh37 (hg19) VCF-style: chr16-68835650-G-T.
Other names: c.241G>T, p.Gly81Cys (NM_001317184.2); c.-1375G>T (NM_001317185.2); c.-1579G>T (NM_001317186.2); short protein forms G81C.
Identifiers: ClinVar variation 2087224 (VCV002087224.4), dbSNP rs1060501225, ClinGen allele CA396457224.